The following is an entry in ClinVar:

NM_005228.5(EGFR):c.854A>G (p.Tyr285Cys)

Gene: EGFR (epidermal growth factor receptor; plus strand). Cytogenetic location: 7p11.2.
Variant type: single nucleotide variant.
Coding change: c.854A>G on transcript NM_005228.5 (MANE Select); coding-DNA position 854, A replaced by G.
Protein change: p.Tyr285Cys; replaces tyrosine 285 with cysteine.
Molecular consequence: missense variant. On other transcripts: intron variant (1).
Genome position (GRCh38, 1-based): chr7:55,154,117, A>G. VCF-style: chr7-55154117-A-G. GRCh37 (hg19) VCF-style: chr7-55221810-A-G.
Other names: c.719A>G, p.Tyr240Cys (NM_001346897.2, NM_001346899.2); c.854A>G, p.Tyr285Cys (NM_001346898.2, NM_201282.2, NM_201283.2 and 1 more transcripts); c.695A>G, p.Tyr232Cys (NM_001346900.2); c.89-1713A>G (NM_001346941.2); short protein forms Y232C, Y285C, Y240C.
Identifiers: ClinVar variation 1491200 (VCV001491200.8), dbSNP rs2128935101, ClinGen allele CA367577821.

ClinVar aggregate classification (germline): Uncertain significance (1 of 4 stars; one submission).

Conditions:
EGFR-related lung cancer (EGFR). Identifiers: MedGen CN130014.

Submission:

Labcorp Genetics (formerly Invitae), Labcorp
Classification: Uncertain significance for EGFR-related lung cancer. Last evaluated: 2020-12-04. Review status: criteria provided, single submitter. Criteria: Invitae Variant Classification Sherloc (09022015). Collection method: clinical testing. Allele origin: germline.
Comment: This sequence change replaces tyrosine with cysteine at codon 285 of the EGFR protein (p.Tyr285Cys). The tyrosine residue is highly conserved and there is a large physicochemical difference between tyrosine and cysteine. In summary, the available evidence is currently insufficient to determine the role of this variant in disease. Therefore, it has been classified as a Variant of Uncertain Significance. Algorithms developed to predict the effect of missense changes on protein structure and function (SIFT, PolyPhen-2, Align-GVGD) all suggest that this variant is likely to be disruptive, but these predictions have not been confirmed by published functional studies and their clinical significance is uncertain. This variant has not been reported in the literature in individuals with EGFR-related conditions. This variant is not present in population databases (ExAC no frequency).